The following is an entry in ClinVar:

NM_000514.4(GDNF):c.633C>G (p.Ile211Met)

Gene: GDNF (glial cell derived neurotrophic factor; minus strand). Cytogenetic location: 5p13.2.
Variant type: single nucleotide variant.
Coding change: c.633C>G on transcript NM_000514.4 (MANE Select); coding-DNA position 633, C replaced by G.
Protein change: p.Ile211Met; replaces isoleucine 211 with methionine.
Molecular consequence: missense variant.
Genome position (GRCh38, 1-based): chr5:37,815,654, G>C on the plus strand (C>G on the coding strand, the complement: GDNF is on the minus strand). VCF-style: chr5-37815654-G-C. GRCh37 (hg19) VCF-style: chr5-37815756-G-C.
Other names: c.684C>G, p.Ile228Met (NM_001190468.1); c.606C>G, p.Ile202Met (NM_001190469.1); c.477C>G, p.Ile159Met (NM_001278098.1); c.555C>G, p.Ile185Met (NM_199231.2); short protein forms I211M, I185M, I228M, I159M, I202M.
Identifiers: ClinVar variation 8761 (VCV000008761.3), dbSNP rs121918536, ClinGen allele CA254550.
Genomic context (GRCh38, chr5:37,815,654, plus strand): 5'-GTCCCTTTCTTTGCACTGTAGCAGGAATGCAATACACAGCAGTCTCTGGAGCCGGAGTCA[G>C]ATACATCCACACCTTTTAGCGGAATGCTTTCTTAGAATATGGTAAACCAGGTTATCATCT-3'
Protein context (NP_000505.1, residues 201-211): RKHSAKRCGC[Ile211Met]

ClinVar aggregate classification (germline): Uncertain significance. Review status: criteria provided, single submitter (1 of 4 stars). 2 submissions from 2 submitters: Uncertain significance (1). 1 of the submissions does not count toward it. Last evaluated 2024-08-22.

Conditions:
Hirschsprung disease, susceptibility to, 3. Identifiers: Orphanet 388, MedGen C3150974, MONDO:0013383, OMIM 613711.

Allele frequency attached by ClinVar (database versions not stated): TOPMed 0.00008; gnomAD 0.00010 and 0.00011; gnomAD exomes 0.00010; ExAC 0.00013.
gnomAD v4.1: 180 of 1,613,140 alleles (0.011%); highest among the groups gnomAD compares: Non-Finnish European, 0.015%; no homozygotes.

Submissions (2):

Women's Health and Genetics/Laboratory Corporation of America, LabCorp
Classification: Uncertain significance. Last evaluated: 2024-08-22. Review status: criteria provided, single submitter. Criteria: LabCorp Variant Classification Summary - May 2015. Collection method: clinical testing. Allele origin: germline.
Comment: Variant summary: GDNF c.633C>G (p.Ile211Met) results in a conservative amino acid change located in the Transforming growth factor-beta, C-terminal domain (IPR001839) of the encoded protein sequence. Three of five in-silico tools predict a damaging effect of the variant on protein function. The variant allele was found at a frequency of 9.9e-05 in 251428 control chromosomes, predominantly at a frequency of 0.00022 within the Non-Finnish European subpopulation in the gnomAD database. This frequency is not significantly higher than estimated for a pathogenic variant in GDNF causing Hirschsprung Disease, Susceptibility To, 3, allowing no conclusion about variant significance. c.633C>G has been reported in the literature in individuals affected with Hirschsprung Disease and Kidney and/or genitourinary disorder (example, Martucciello_2000, Rasouly_2019), without strong evidence for causality. These report(s) do not provide unequivocal conclusions about association of the variant with Hirschsprung Disease, Susceptibility To, 3. One publication reports experimental evidence evaluating an impact on protein function, however, does not allow convincing conclusions about the variant effect (Eketjall_2002). The following publications have been ascertained in the context of this evaluation (PMID: 11823451, 10917288, 26489027, 30476936). ClinVar contains an entry for this variant (Variation ID: 8761). Based on the evidence outlined above, the variant was classified as uncertain significance.

OMIM
Classification: risk factor for HIRSCHSPRUNG DISEASE, SUSCEPTIBILITY TO, 3. Last evaluated: 2000-07-01. Review status: no assertion criteria provided. Collection method: literature only. Allele origin: germline. Not counted in ClinVar's aggregate classification.

Literature cited by the submitters: PubMed 26489027 (cited by Women's Health and Genetics/Laboratory Corporation of America, LabCorp); PubMed 30476936 (cited by Women's Health and Genetics/Laboratory Corporation of America, LabCorp); PubMed 11823451 (cited by Women's Health and Genetics/Laboratory Corporation of America, LabCorp); PubMed 10917288 (cited by Women's Health and Genetics/Laboratory Corporation of America, LabCorp and OMIM).